The following is an entry in ClinVar:

NM_001367624.2(ZNF469):c.9899G>T (p.Gly3300Val)

Gene: ZNF469 (zinc finger protein 469; plus strand). Cytogenetic location: 16q24.2.
Variant type: single nucleotide variant.
Coding change: c.9899G>T on transcript NM_001367624.2 (MANE Select); coding-DNA position 9899, G replaced by T.
Protein change: p.Gly3300Val; replaces glycine 3300 with valine.
Molecular consequence: missense variant.
Genome position (GRCh38, 1-based): chr16:88,437,369, G>T. VCF-style: chr16-88437369-G-T. GRCh37 (hg19) VCF-style: chr16-88503777-G-T.
Other names: NM_001127464.1:c.9815G>T; short protein forms G3300V.
Identifiers: ClinVar variation 3987367 (VCV003987367.1).
Genomic context (GRCh38, chr16:88,437,369, plus strand): 5'-GCAACCCAGACGGGGCCGCGACCCCAGACAGCGCCTCTGCCACCGCCCTGGCTGACGCCG[G>T]CAGCCCGGGCCCCCCCAGGACGACCCCCAGCCCGTCCCCCGACCCCTGGGCCGGCGGGGA-3'
Protein context (NP_001354553.1, residues 3290-3310): SASATALADA[Gly3300Val]SPGPPRTTPS

ClinVar aggregate classification (germline): Uncertain significance (1 of 4 stars; one submission).

Conditions:
Cardiovascular phenotype. Identifiers: MedGen CN230736.

Submission:

Ambry Genetics
Classification: Uncertain significance for Cardiovascular phenotype. Last evaluated: 2025-05-27. Review status: criteria provided, single submitter. Criteria: Ambry Variant Classification Scheme 2023. Collection method: clinical testing. Allele origin: germline.
Comment: The p.G3272V variant (also known as c.9815G>T), located in coding exon 2 of the ZNF469 gene, results from a G to T substitution at nucleotide position 9815. The glycine at codon 3272 is replaced by valine, an amino acid with dissimilar properties. This amino acid position is conserved. In addition, this alteration is predicted to be tolerated by in silico analysis. Based on the available evidence, the clinical significance of this variant remains unclear.